The following is an entry in ClinVar:

ClinVar aggregate classification (germline): Likely benign (1 of 4 stars; one submission).

Submission:

CeGaT Center for Human Genetics Tuebingen
Classification: Likely benign. Last evaluated: 2023-06-01. Review status: criteria provided, single submitter. Criteria: CeGaT Center For Human Genetics Tuebingen Variant Classification Criteria Version 2. Collection method: clinical testing. Allele origin: germline. Affected: yes. Observed: 2 variant alleles.
Comment: HOXD10: BS2

NM_002148.4(HOXD10):c.*234AT[7]AAA[1]

Gene: HOXD10 (homeobox D10; plus strand). Cytogenetic location: 2q31.1.
Variant type: Microsatellite.
Coding change: c.*234AT[7]AAA[1] on transcript NM_002148.4 (MANE Select).
Molecular consequence: 3 prime UTR variant.
Genome position: GRCh38 VCF-style: chr2-176119464-T-TATATATATATATATAA. GRCh37 (hg19) VCF-style: chr2-176984192-T-TATATATATATATATAA.
Identifiers: ClinVar variation 2571102 (VCV002571102.27), dbSNP rs886055159.